The following is an entry in ClinVar:

NM_053025.4(MYLK):c.1309G>A (p.Val437Ile)

Gene: MYLK (myosin light chain kinase; minus strand). Cytogenetic location: 3q21.1.
Variant type: single nucleotide variant.
Coding change: c.1309G>A on transcript NM_053025.4 (MANE Select); coding-DNA position 1309, G replaced by A.
Protein change: p.Val437Ile; replaces valine 437 with isoleucine.
Molecular consequence: missense variant.
Genome position (GRCh38, 1-based): chr3:123,733,687, C>T on the plus strand (G>A on the coding strand, the complement: MYLK is on the minus strand). VCF-style: chr3-123733687-C-T. GRCh37 (hg19) VCF-style: chr3-123452534-C-T.
Other names: c.781G>A, p.Val261Ile (NM_001321309.2); c.1309G>A, p.Gly437Arg (NM_053026.4, NM_053028.4); c.1309G>A, p.Val437Ile (NM_053027.4); short protein forms V261I, V437I, G437R.
Identifiers: ClinVar variation 4115067 (VCV004115067.1).

ClinVar aggregate classification (germline): Uncertain significance (1 of 4 stars; one submission).

Conditions:
Familial thoracic aortic aneurysm and aortic dissection (TAAD). Also called: Thoracic aortic aneurysms and dissections. Identifiers: Orphanet 91387, MedGen C4707243, MONDO:0019625.

gnomAD v4.1: 4 of 1,614,010 alleles (0.00025%); highest among the groups gnomAD compares: South Asian, 0.0044%; no homozygotes.

Submission:

Ambry Genetics
Classification: Uncertain significance for Familial thoracic aortic aneurysm and aortic dissection. Last evaluated: 2025-09-05. Review status: criteria provided, single submitter. Criteria: Ambry Variant Classification Scheme 2023. Collection method: clinical testing. Allele origin: germline.
Comment: The p.V437I variant (also known as c.1309G>A), located in coding exon 7 of the MYLK gene, results from a G to A substitution at nucleotide position 1309. The valine at codon 437 is replaced by isoleucine, an amino acid with highly similar properties. However, this change occurs in the last base pair of coding exon 7, which makes it likely to have some effect on normal mRNA splicing. This nucleotide position is highly conserved in available vertebrate species. This amino acid position is highly conserved in available vertebrate species. In silico splice site analysis predicts that this alteration may weaken the native splice donor site. In addition, as a missense substitution this is predicted to be inconclusive by in silico analysis. This variant is expected to result in loss of function due to an abnormal transcript, a translational frameshift leading to premature truncation, or nonsense-mediated mRNA decay. However, this alteration impacts only the long, nonmuscle MYLK isoform. While loss of function alterations that impact both the long and short MYLK isoforms have been reported in many patients with thoracic aortic aneurysms and dissections (TAAD), similar data is lacking for alterations that affect only the long isoform (Wallace SE et al. Genet Med 2019 01;21(1):144-151; Ambry internal data). Since supporting evidence is limited at this time, the clinical significance of this alteration remains unclear.